The following is an entry in ClinVar:

ClinVar aggregate classification (germline): Likely pathogenic (1 of 4 stars; one submission).

Submission:

Labcorp Genetics (formerly Invitae), Labcorp
Classification: Likely pathogenic. Last evaluated: 2022-03-10. Review status: criteria provided, single submitter. Criteria: Invitae Variant Classification Sherloc (09022015). Collection method: clinical testing. Allele origin: germline.
Comment: In summary, the currently available evidence indicates that the variant is pathogenic, but additional data are needed to prove that conclusively. Therefore, this variant has been classified as Likely Pathogenic. This variant disrupts the p.Leu142 amino acid residue in FRMD7. Other variant(s) that disrupt this residue have been determined to be pathogenic (PMID: 28378818). This suggests that this residue is clinically significant, and that variants that disrupt this residue are likely to be disease-causing. A similar copy number variant has been observed in individual(s) with X-linked congenital nystagmus (PMID: 28378818). This variant is a gross deletion of the genomic region encompassing exon(s) 2-12 of the FRMD7 gene, which includes the termination codon. This deletion extends beyond the assayed region for this gene and therefore may encompass additional genes. While this deletion is not anticipated to lead to nonsense mediated decay, it is expected to alter mRNA translation or result in a truncated protein product.

Literature cited by the submitters: PubMed 28378818.

NC_000023.10:g.(?_131211900)_(131234764_?)del

Gene: FRMD7 (FERM domain containing 7; minus strand). Cytogenetic location: Xq26.2.
Variant type: Deletion.
Identifiers: ClinVar variation 1066902 (VCV001066902.8).